The following is an entry in ClinVar:

ClinVar aggregate classification (germline): Uncertain significance (1 of 4 stars; one submission).

Conditions:
Retinoblastoma (RB1). Also called: RETINOBLASTOMA, SOMATIC. Identifiers: Orphanet 790, MedGen C0035335, MeSH D012175, MONDO:0008380, OMIM 180200, HP:0009919. Disease mechanism: loss of function. Inheritance: Both sporadic and heritable forms are tested..

Submission:

Labcorp Genetics (formerly Invitae), Labcorp
Classification: Uncertain significance for Retinoblastoma. Last evaluated: 2023-11-24. Review status: criteria provided, single submitter. Criteria: Invitae Variant Classification Sherloc (09022015). Collection method: clinical testing. Allele origin: germline.
Comment: This sequence change replaces leucine, which is neutral and non-polar, with histidine, which is basic and polar, at codon 521 of the RB1 protein (p.Leu521His). This variant is not present in population databases (gnomAD no frequency). This variant has not been reported in the literature in individuals affected with RB1-related conditions. Advanced modeling of protein sequence and biophysical properties (such as structural, functional, and spatial information, amino acid conservation, physicochemical variation, residue mobility, and thermodynamic stability) performed at Invitae indicates that this missense variant is expected to disrupt RB1 protein function with a positive predictive value of 80%. In summary, the available evidence is currently insufficient to determine the role of this variant in disease. Therefore, it has been classified as a Variant of Uncertain Significance.

NM_000321.3(RB1):c.1562T>A (p.Leu521His)

Gene: RB1 (RB transcriptional corepressor 1; plus strand). Cytogenetic location: 13q14.2.
Variant type: single nucleotide variant.
Coding change: c.1562T>A on transcript NM_000321.3 (MANE Select); coding-DNA position 1562, T replaced by A.
Protein change: p.Leu521His; replaces leucine 521 with histidine.
Molecular consequence: missense variant.
Genome position (GRCh38, 1-based): chr13:48,381,310, T>A. VCF-style: chr13-48381310-T-A. GRCh37 (hg19) VCF-style: chr13-48955446-T-A.
Other names: c.1562T>A, p.Leu521His (NM_001407165.1, NM_001407166.1); short protein forms L521H.
Identifiers: ClinVar variation 2698332 (VCV002698332.3), dbSNP rs2138145128, ClinGen allele CA388163527.